The following is an entry in ClinVar:

ClinVar aggregate classification (germline): Uncertain significance (1 of 4 stars; one submission).

Conditions:
Spermatogenic failure 18. Identifiers: MedGen C4539783, MONDO:0054615, OMIM 617576.
Ciliary dyskinesia, primary, 37 (CILD37). Also called: CILIARY DYSKINESIA, PRIMARY, 37, WITH OR WITHOUT SITUS INVERSUS. Identifiers: MedGen C4539798, MONDO:0033204, OMIM 617577.

Allele frequency attached by ClinVar (database versions not stated): gnomAD exomes below 0.00001.
gnomAD v4.1: 1 of 1,613,824 alleles (0.000062%); highest among the groups gnomAD compares: African/African-American, 0.0013%; no homozygotes.

Submission:

Labcorp Genetics (formerly Invitae), Labcorp
Classification: Uncertain significance for Ciliary dyskinesia, primary, 37; Spermatogenic failure 18. Last evaluated: 2023-09-19. Review status: criteria provided, single submitter. Criteria: Invitae Variant Classification Sherloc (09022015). Collection method: clinical testing. Allele origin: germline.
Comment: This variant is not present in population databases (gnomAD no frequency). This sequence change replaces leucine, which is neutral and non-polar, with valine, which is neutral and non-polar, at codon 4222 of the DNAH1 protein (p.Leu4222Val). This variant has not been reported in the literature in individuals affected with DNAH1-related conditions. In summary, the available evidence is currently insufficient to determine the role of this variant in disease. Therefore, it has been classified as a Variant of Uncertain Significance. Advanced modeling of protein sequence and biophysical properties (such as structural, functional, and spatial information, amino acid conservation, physicochemical variation, residue mobility, and thermodynamic stability) has been performed at Invitae for this missense variant, however the output from this modeling did not meet the statistical confidence thresholds required to predict the impact of this variant on DNAH1 protein function.

NM_015512.5(DNAH1):c.12664C>G (p.Leu4222Val)

Gene: DNAH1 (dynein axonemal heavy chain 1; plus strand). Cytogenetic location: 3p21.1.
Variant type: single nucleotide variant.
Coding change: c.12664C>G on transcript NM_015512.5 (MANE Select); coding-DNA position 12664, C replaced by G.
Protein change: p.Leu4222Val; replaces leucine 4222 with valine.
Molecular consequence: missense variant.
Genome position (GRCh38, 1-based): chr3:52,399,767, C>G. VCF-style: chr3-52399767-C-G. GRCh37 (hg19) VCF-style: chr3-52433783-C-G.
Other names: short protein forms L4222V.
Identifiers: ClinVar variation 2952061 (VCV002952061.2), dbSNP rs2471307945, ClinGen allele CA353088426.
Genomic context (GRCh38, chr3:52,399,767, plus strand): 5'-CCAACACCCAACCGCAAGGCCCAGGACCAGGACTTTTACCTGTGCCCCATCTACAAGACA[C>G]TGACTCGTGCTGGTATGAGGCCTGGGATGGGAGCCTACACTATGGGCGGGGACCCAGGAC-3'
Protein context (NP_056327.4, residues 4212-4232): DFYLCPIYKT[Leu4222Val]TRAGTLSTTG